The following is an entry in ClinVar:

ClinVar aggregate classification (germline): Benign (1 of 4 stars; one submission).

Conditions:
Familial cancer of breast. Also called: hereditary breast carcinoma; Hereditary breast cancer; BREAST CANCER, FAMILIAL. Identifiers: Orphanet 227535, MedGen C0346153, MONDO:0016419, OMIM 114480. Disease mechanism: loss of function.

Submission:

Myriad Genetics, Inc.
Classification: Benign for Familial cancer of breast. Last evaluated: 2024-07-25. Review status: criteria provided, single submitter. Criteria: Myriad Autosomal Dominant, Autosomal Recessive and X-Linked Classification Criteria (2023). Collection method: clinical testing. Allele origin: unknown.
Comment: This variant is considered benign. This variant is a silent/synonymous amino acid change and it is not expected to impact splicing.

NM_000465.4(BARD1):c.1342T>C (p.Leu448=)

Gene: BARD1 (BRCA1 associated RING domain 1; minus strand). Cytogenetic location: 2q35.
Variant type: single nucleotide variant.
Coding change: c.1342T>C on transcript NM_000465.4 (MANE Select); coding-DNA position 1342, T replaced by C.
Protein change: p.Leu448=; no amino-acid change (leucine 448 retained).
Molecular consequence: synonymous variant. On other transcripts: non-coding transcript variant (3), intron variant (3).
Genome position (GRCh38, 1-based): chr2:214,769,285, A>G on the plus strand (T>C on the coding strand, the complement: BARD1 is on the minus strand). VCF-style: chr2-214769285-A-G. GRCh37 (hg19) VCF-style: chr2-215634009-A-G.
Other names: c.1285T>C, p.Leu429= (NM_001282543.2); c.159-16730T>C (NM_001282548.2); c.216-16730T>C (NM_001282545.2); c.364+23012T>C (NM_001282549.2).
Identifiers: ClinVar variation 3378479 (VCV003378479.1).
Genomic context (GRCh38, chr2:214,769,285, plus strand): 5'-CAACTACCAATGGTGTCCATCCAGCATGGTCTTTAACATTTGGATCACTTCCATTTTGTA[A>G]AAGGTATTCAACAGAAGGTATGTCGCCCTAGAAAAATGAACAAAACGGAAATTAAAAAGC-3'
Protein context (NP_000456.2, residues 438-458): KGDIPSVEYL[Leu448=]QNGSDPNVKD